The following is an entry in ClinVar:

ClinVar aggregate classification (germline): Likely pathogenic (1 of 4 stars; one submission).

Conditions:
X-linked Alport syndrome (ATS1). Also called: NEPHROPATHY AND DEAFNESS, X-LINKED; COL4A5-Related Nephropathy. Identifiers: Orphanet 63, Orphanet 88917, MedGen C4746986, MONDO:0010520, OMIM 301050.

Submission:

Centre de Génétique Humaine, Institut de Pathologie Et de Génétique
Classification: Likely pathogenic for X-linked Alport syndrome. Last evaluated: 2026-07-03. Review status: criteria provided, single submitter. Criteria: ACMG Guidelines, 2015. Collection method: clinical testing. Allele origin: maternal, germline. Inheritance: X-linked dominant inheritance. Affected: yes. Observed: 2 variant alleles, 1 heterozygote, 1 hemizygote. Segregation with disease observed.
Comment: This missense variant involves a highly conserved glycine located in a ‘Gly-X-Y’ motif in collagenous region, (PM1,PP2). This variant is rare: absent in gnomAD v4.1.0 database (PM2). Another missense variant affecting the same residue described as LP in ClinVar and as disease causing (PMID:24854265): c.3238G>C (p.Gly1080Arg) (PM5). In silico analysis supports that this missense variant has a deleterious effect (PP3). Described in patients with X-linked AS in the scientific literature (PP5)

Literature cited by the submitters: PubMed 20884774; PubMed 31328266.

NM_033380.3(COL4A5):c.3239G>A (p.Gly1080Asp)

Gene: COL4A5 (collagen type IV alpha 5 chain; plus strand). Cytogenetic location: Xq22.3.
Variant type: single nucleotide variant.
Coding change: c.3239G>A on transcript NM_033380.3 (MANE Select); coding-DNA position 3239, G replaced by A.
Protein change: p.Gly1080Asp; replaces glycine 1080 with aspartic acid.
Molecular consequence: missense variant.
Genome position (GRCh38, 1-based): chrX:108,626,342, G>A. VCF-style: chrX-108626342-G-A. GRCh37 (hg19) VCF-style: chrX-107869572-G-A.
Other names: p.(Gly1080Asp); c.3239G>A, p.Gly1080Asp (NM_000495.5); short protein forms G1080D.
Identifiers: ClinVar variation 5041989 (VCV005041989.1).
Genomic context (GRCh38, chrX:108,626,342, plus strand): 5'-GACAGAAAGGCGACAAAGGTGATCCTGGTATTTCAAGCATTGGTCTTCCAGGTCTTCCTG[G>A]TCCAAAGGTAATCTTTGGCATATAGTTTTAGGCACATACTTGAGCAGATATGAAATTTTT-3'
Protein context (NP_203699.1, residues 1070-1090): ISSIGLPGLP[Gly1080Asp]PKGEPGLPGY